The following is an entry in ClinVar:

ClinVar aggregate classification (germline): Benign/Likely benign. Review status: criteria provided, multiple submitters, no conflicts (2 of 4 stars). 4 submissions from 4 submitters: Benign (2); Likely benign (1). 1 of the submissions does not count toward it. Last evaluated 2026-09-01.

Conditions:
EVI2A-related disorder. Also called: EVI2A-related condition.

Allele frequency attached by ClinVar (database versions not stated): 1000 Genomes Project 30x 0.00172; 1000 Genomes Project 0.00200; ExAC 0.00235; gnomAD exomes 0.00246 and 0.00506; gnomAD 0.00248 and 0.00252; TOPMed 0.00257; ESP Exome Variant Server 0.00369.

Submissions (4):

CeGaT Center for Human Genetics Tuebingen
Classification: Benign. Last evaluated: 2026-09-01. Review status: criteria provided, single submitter. Criteria: CeGaT Center For Human Genetics Tuebingen Variant Classification Criteria Version 2. Collection method: clinical testing. Allele origin: germline. Affected: yes. Observed: 24 variant alleles.
Comment: NF1: BS1, BS2

Centre for Mendelian Genomics, University Medical Centre Ljubljana
Classification: Benign. Last evaluated: 2019-04-01. Review status: criteria provided, single submitter. Criteria: ACMG Guidelines, 2015. Collection method: clinical testing. Allele origin: unknown. Affected: yes.
Comment: This variant was classified as: Benign. The following ACMG criteria were applied in classifying this variant: BS1,BS2.

Center for Pediatric Genomic Medicine, Children's Mercy Hospital and Clinics
Classification: Likely benign. Last evaluated: 2016-09-14. Review status: criteria provided, single submitter. Criteria: ACMG Guidelines, 2015. Collection method: clinical testing. Allele origin: germline.
ClinVar note: Converted during submission from Likely Benign to Likely benign.

PreventionGenetics, part of Exact Sciences
Classification: Likely benign for EVI2A-related condition. Last evaluated: 2022-02-11. Review status: no assertion criteria provided. Collection method: clinical testing. Allele origin: germline. Not counted in ClinVar's aggregate classification.
Comment: This variant is classified as likely benign based on ACMG/AMP sequence variant interpretation guidelines (Richards et al. 2015 PMID: 25741868, with internal and published modifications).

NM_014210.4(EVI2A):c.527A>G (p.Gln176Arg)

Genes: EVI2A (ecotropic viral integration site 2A; minus strand), NF1 (neurofibromin 1; plus strand), LOC130060655 (ATAC-STARR-seq lymphoblastoid active region 12009; plus strand). Cytogenetic location: 17q11.2.
Variant type: single nucleotide variant.
Coding change: c.527A>G on transcript NM_014210.4 (MANE Select); coding-DNA position 527, A replaced by G.
Protein change: p.Gln176Arg; replaces glutamine 176 with arginine.
Molecular consequence: missense variant. On other transcripts: intron variant (2).
Genome position (GRCh38, 1-based): chr17:31,318,487, T>C on the plus strand (A>G on the coding strand, the complement: EVI2A is on the minus strand). VCF-style: chr17-31318487-T-C. GRCh37 (hg19) VCF-style: chr17-29645505-T-C.
Other names: c.596A>G, p.Gln199Arg (NM_001003927.3); c.4836-7333T>C (NM_001042492.3); c.4773-7333T>C (NM_000267.4); short protein forms Q176R, Q199R.
Identifiers: ClinVar variation 377247 (VCV000377247.36), dbSNP rs144778786, ClinGen allele CA8486944.